The following is an entry in ClinVar:

NM_001277115.2(DNAH11):c.121_132dup (p.Glu44_Ala45insAsnGluGluGlu)

Gene: DNAH11 (dynein axonemal heavy chain 11; plus strand). Cytogenetic location: 7p15.3.
Variant type: Duplication.
Coding change: c.121_132dup on transcript NM_001277115.2 (MANE Select); coding-DNA positions 121 to 132, 12 bases duplicated (AACGAGGAGGAG).
Protein change: p.Glu44_Ala45insAsnGluGluGlu.
Genome position (GRCh38, 1-based): chr7:21,543,366-21,543,377, AACGAGGAGGAG duplicated; duplicating any 12 consecutive bases within chr7:21,543,357-21,543,377 gives the same sequence; the c. name uses the placement nearest the transcript's 3' end. VCF-style (leftmost placement, unchanged base first): chr7-21543356-G-GGAGGAGGAGAAC. GRCh37 (hg19) VCF-style: chr7-21582974-G-GGAGGAGGAGAAC.
Identifiers: ClinVar variation 3665475 (VCV003665475.2).

ClinVar aggregate classification (germline): Uncertain significance (1 of 4 stars; one submission).

Conditions:
Primary ciliary dyskinesia. Also called: Ciliary dyskinesia. Identifiers: Orphanet 244, MedGen C0008780, MONDO:0016575, HP:0012265.

Submission:

Labcorp Genetics (formerly Invitae), Labcorp
Classification: Uncertain significance for Primary ciliary dyskinesia. Last evaluated: 2024-02-07. Review status: criteria provided, single submitter. Criteria: Invitae Variant Classification Sherloc (09022015). Collection method: clinical testing. Allele origin: germline.
Comment: This variant, c.121_132dup, results in the insertion of 4 amino acid(s) of the DNAH11 protein (p.Asn41_Glu44dup), but otherwise preserves the integrity of the reading frame. This variant is present in population databases (no rsID available, gnomAD 0.01%). This variant has not been reported in the literature in individuals affected with DNAH11-related conditions. In summary, the available evidence is currently insufficient to determine the role of this variant in disease. Therefore, it has been classified as a Variant of Uncertain Significance.